The following is an entry in ClinVar:

NM_000222.3(KIT):c.1045A>G (p.Ile349Val)

Gene: KIT (KIT proto-oncogene, receptor tyrosine kinase; plus strand). Cytogenetic location: 4q12.
Variant type: single nucleotide variant.
Coding change: c.1045A>G on transcript NM_000222.3 (MANE Select); coding-DNA position 1045, A replaced by G.
Protein change: p.Ile349Val; replaces isoleucine 349 with valine.
Molecular consequence: missense variant.
Genome position (GRCh38, 1-based): chr4:54,707,217, A>G. VCF-style: chr4-54707217-A-G. GRCh37 (hg19) VCF-style: chr4-55573383-A-G.
Other names: c.1045A>G, p.Ile349Val (NM_001093772.2, NM_001385285.1, NM_001385286.1); c.1048A>G, p.Ile350Val (NM_001385284.1, NM_001385288.1, NM_001385290.1 and 1 more transcripts); short protein forms I349V, I350V.
Identifiers: ClinVar variation 409791 (VCV000409791.9), dbSNP rs756286159, ClinGen allele CA2923359.

ClinVar aggregate classification (germline): Conflicting classifications of pathogenicity. Review status: criteria provided, conflicting classifications (1 of 4 stars). 2 submissions from 2 submitters: Uncertain significance (1); Likely benign (1). Last evaluated 2025-12-11.

Conditions:
Gastrointestinal stromal tumor. Also called: Gastrointestinal stroma tumor; Gastrointestinal stromal tumor, somatic. Identifiers: Orphanet 44890, MedGen C0238198, MeSH D046152, MONDO:0011719, OMIM 606764, HP:0100723.
Hereditary cancer-predisposing syndrome. Also called: Neoplastic Syndromes, Hereditary; Hereditary Cancer Syndrome; Hereditary neoplastic syndrome; Tumor predisposition. Identifiers: Orphanet 140162, MedGen C0027672, MeSH D009386, MONDO:0015356.

Allele frequency attached by ClinVar (database versions not stated): gnomAD exomes 0.00003; ExAC 0.00004; gnomAD 0.00013.
gnomAD v4.1: 23 of 1,611,532 alleles (0.0014%); highest among the groups gnomAD compares: South Asian, 0.0033%; no homozygotes.

Submissions (2):

Ambry Genetics
Classification: Likely benign for Hereditary cancer-predisposing syndrome. Last evaluated: 2025-12-11. Review status: criteria provided, single submitter. Criteria: Ambry Variant Classification Scheme 2023. Collection method: clinical testing. Allele origin: germline.

Labcorp Genetics (formerly Invitae), Labcorp
Classification: Uncertain significance for Gastrointestinal stromal tumor. Last evaluated: 2024-09-04. Review status: criteria provided, single submitter. Criteria: Invitae Variant Classification Sherloc (09022015). Collection method: clinical testing. Allele origin: germline.
Comment: This sequence change replaces isoleucine, which is neutral and non-polar, with valine, which is neutral and non-polar, at codon 349 of the KIT protein (p.Ile349Val). This variant is present in population databases (rs756286159, gnomAD 0.02%). This variant has not been reported in the literature in individuals affected with KIT-related conditions. ClinVar contains an entry for this variant (Variation ID: 409791). An algorithm developed to predict the effect of missense changes on protein structure and function outputs the following: PolyPhen-2: "Benign". The valine amino acid residue is found in multiple mammalian species, which suggests that this missense change does not adversely affect protein function. In summary, the available evidence is currently insufficient to determine the role of this variant in disease. Therefore, it has been classified as a Variant of Uncertain Significance.